The following is an entry in ClinVar:

NM_000361.3(THBD):c.1304A>C (p.Asp435Ala)

Gene: THBD (thrombomodulin; minus strand). Cytogenetic location: 20p11.21.
Variant type: single nucleotide variant.
Coding change: c.1304A>C on transcript NM_000361.3 (MANE Select); coding-DNA position 1304, A replaced by C.
Protein change: p.Asp435Ala; replaces aspartic acid 435 with alanine.
Molecular consequence: missense variant.
Genome position (GRCh38, 1-based): chr20:23,048,201, T>G on the plus strand (A>C on the coding strand, the complement: THBD is on the minus strand). VCF-style: chr20-23048201-T-G. GRCh37 (hg19) VCF-style: chr20-23028838-T-G.
Other names: short protein forms D435A.
Identifiers: ClinVar variation 4280445 (VCV004280445.1).
Genomic context (GRCh38, chr20:23,048,201, plus strand): 5'-CACACCCCGGAGCAGAAGCCGCCGTTTTCGCACTCGTCGATGTCCGTGCAGATGAAACCG[T>G]CGTCCAGGATGTAGCCTTCAGGGCACTCACAGCTAGCCTGGGTGTTGGGGTCGCAGTCGG-3'
Protein context (NP_000352.1, residues 425-445): CECPEGYILD[Asp435Ala]GFICTDIDEC

ClinVar aggregate classification (germline): Uncertain significance (1 of 4 stars; one submission).

Conditions:
Thrombomodulin-related bleeding disorder (THPH12). Also called: Thrombophilia due to thrombomodulin defect. Identifiers: Orphanet 436169, MedGen C3280976, MONDO:0013775, OMIM 614486.

Submission:

Genomenon, Inc
Classification: Uncertain significance for Thrombomodulin-related bleeding disorder. Last evaluated: 2025-09-22. Review status: criteria provided, single submitter. Criteria: Genomenon Sequence Variant Interpretation Standards - Updated. Collection method: curation. Allele origin: germline. Affected: no.
Comment: THBD p.Asp435Ala (c.1304A>C) is a missense variant that changes the amino acid at residue 435 from Aspartic acid to Alanine. This variant has been reported in the published literature (PMID:8381415). It is absent or not present at a significant frequency in gnomAD. In silico models agree that this variant is not damaging. In conclusion, we classify THBD p.Asp435Ala (c.1304A>C) as a variant of unknown significance.

Literature cited by the submitters: PubMed 8381415.